The following is an entry in ClinVar:

ClinVar aggregate classification (germline): Uncertain significance (1 of 4 stars; one submission).

Conditions:
Inborn genetic diseases. Identifiers: MedGen C0950123, MeSH D030342.

Submission:

Ambry Genetics
Classification: Uncertain significance for Inborn genetic diseases. Last evaluated: 2025-07-06. Review status: criteria provided, single submitter. Criteria: Ambry Variant Classification Scheme 2023. Collection method: clinical testing. Allele origin: germline.
Comment: The p.F6L variant (also known as c.18C>A), located in coding exon 1 of the CEBPA gene, results from a C to A substitution at nucleotide position 18. The phenylalanine at codon 6 is replaced by leucine, an amino acid with highly similar properties. This amino acid position is conserved. In addition, this alteration is predicted to be tolerated by in silico analysis. Based on the available evidence, the clinical significance of this variant remains unclear.

NM_004364.5(CEBPA):c.18C>A (p.Phe6Leu)

Genes: CEBPA (CCAAT enhancer binding protein alpha; minus strand), LOC130064183 (ATAC-STARR-seq lymphoblastoid silent region 10495; plus strand). Cytogenetic location: 19q13.11.
Variant type: single nucleotide variant.
Coding change: c.18C>A on transcript NM_004364.5 (MANE Select); coding-DNA position 18, C replaced by A.
Protein change: p.Phe6Leu; replaces phenylalanine 6 with leucine.
Molecular consequence: missense variant. On other transcripts: 5 prime UTR variant (2).
Genome position (GRCh38, 1-based): chr19:33,302,397, G>T on the plus strand (C>A on the coding strand, the complement: CEBPA is on the minus strand). VCF-style: chr19-33302397-G-T. GRCh37 (hg19) VCF-style: chr19-33793303-G-T.
Other names: c.-340C>A (NM_001285829.2); c.123C>A, p.Phe41Leu (NM_001287424.2); c.-25C>A (NM_001287435.2); short protein forms F6L, F41L.
Identifiers: ClinVar variation 4225034 (VCV004225034.1).
Genomic context (GRCh38, chr19:33,302,397, plus strand): 5'-GGGCGCGTGCGGGGGGCTCTGCAGGTGGCTGCTCATCGGGGGCCGCGGCTCCGCCTCGTA[G>T]AAGTCGGCCGACTCCATGGGGGAGTTAGAGTTCTCCCGGCATGGCGAGCCTCGGCGGCCT-3'
Protein context (NP_004355.2, residues 1-16): MESAD[Phe6Leu]YEAEPRPPMS